The following is an entry in ClinVar:

NM_004006.3(DMD):c.9829G>T (p.Glu3277Ter)

Gene: DMD (dystrophin; minus strand). Cytogenetic location: Xp21.2.
Variant type: single nucleotide variant.
Coding change: c.9829G>T on transcript NM_004006.3 (MANE Select); coding-DNA position 9829, G replaced by T.
Protein change: p.Glu3277Ter; replaces glutamic acid 3277 with a stop codon.
Molecular consequence: nonsense.
Genome position (GRCh38, 1-based): chrX:31,182,883, C>A on the plus strand (G>T on the coding strand, the complement: DMD is on the minus strand). VCF-style: chrX-31182883-C-A. GRCh37 (hg19) VCF-style: chrX-31201000-C-A.
Other names: c.9805G>T, p.Glu3269Ter (NM_000109.4); c.9817G>T, p.Glu3273Ter (NM_004009.3); c.9460G>T, p.Glu3154Ter (NM_004010.3); c.5806G>T, p.Glu1936Ter (NM_004011.4); c.5797G>T, p.Glu1933Ter (NM_004012.4); c.2449G>T, p.Glu817Ter (NM_004013.3, NM_004020.4, NM_004021.3 and 2 more transcripts); c.1642G>T, p.Glu548Ter (NM_004014.3); c.625G>T, p.Glu209Ter (NM_004015.3, NM_004016.3, NM_004017.3 and 2 more transcripts); short protein forms E1933*, E1936*, E209*, E3154*, E3269*, E3273*, E3277*, E548*.
Identifiers: ClinVar variation 1322477 (VCV001322477.9), dbSNP rs1602456175, ClinGen allele CA412653613.
Genomic context (GRCh38, chrX:31,182,883, plus strand): 5'-CGGGCAGCCACACCATGGACTGGGGTTCCAGTCTCATCCAGTCTAGGAAGAGGGCCGCTT[C>A]GATCTCTGGCTTATTATTAGCCTGCAAAGACAGGAGGGAGAGAGAAGGAGGGCAAAAGGA-3'

ClinVar aggregate classification (germline): Pathogenic (1 of 4 stars; one submission).

Conditions:
Duchenne muscular dystrophy (DMD). Also called: MUSCULAR DYSTROPHY, PSEUDOHYPERTROPHIC PROGRESSIVE, DUCHENNE TYPE; Duchenne Muscular Dystrophy (DMD). Identifiers: Orphanet 98896, MedGen C0013264, MONDO:0010679, OMIM 310200.

Submission:

Labcorp Genetics (formerly Invitae), Labcorp
Classification: Pathogenic for Duchenne muscular dystrophy. Last evaluated: 2024-02-29. Review status: criteria provided, single submitter. Criteria: Invitae Variant Classification Sherloc (09022015). Collection method: clinical testing. Allele origin: germline.
Comment: This sequence change creates a premature translational stop signal (p.Glu3277*) in the DMD gene. It is expected to result in an absent or disrupted protein product. Loss-of-function variants in DMD are known to be pathogenic (PMID: 16770791, 25007885). This variant is not present in population databases (gnomAD no frequency). This premature translational stop signal has been observed in individual(s) with DMD-related conditions (PMID: 19959795). ClinVar contains an entry for this variant (Variation ID: 1322477). For these reasons, this variant has been classified as Pathogenic.

Literature cited by the submitters: PubMed 16770791; PubMed 25007885; PubMed 19959795.